The following is an entry in ClinVar:

ClinVar aggregate classification (germline): Likely benign. Review status: criteria provided, single submitter (1 of 4 stars). 2 submissions from 2 submitters: Likely benign (1). 1 of the submissions does not count toward it. Last evaluated 2025-08-20.

Conditions:
Cohen syndrome (COH1). Also called: PEPPER SYNDROME; Cutis verticis gyrata, retinitis pigmentosa, and sensorineural deafness. Identifiers: Orphanet 193, MedGen C0265223, MONDO:0008999, OMIM 216550.
VPS13B-related disorder. Also called: VPS13B-related condition.

gnomAD v4.1: 1 of 1,613,316 alleles (0.000062%); no homozygotes.

Submissions (2):

Labcorp Genetics (formerly Invitae), Labcorp
Classification: Likely benign for Cohen syndrome. Last evaluated: 2025-08-20. Review status: criteria provided, single submitter. Criteria: Invitae Variant Classification Sherloc (09022015). Collection method: clinical testing. Allele origin: germline.

PreventionGenetics, part of Exact Sciences
Classification: Likely benign for VPS13B-related condition. Last evaluated: 2022-03-10. Review status: no assertion criteria provided. Collection method: clinical testing. Allele origin: germline. Not counted in ClinVar's aggregate classification.
Comment: This variant is classified as likely benign based on ACMG/AMP sequence variant interpretation guidelines (Richards et al. 2015 PMID: 25741868, with internal and published modifications).

NM_152564.5(VPS13B):c.9943-4G>T

Gene: VPS13B (vacuolar protein sorting 13 homolog B; plus strand). Cytogenetic location: 8q22.2.
Variant type: single nucleotide variant.
Coding change: c.9943-4G>T on transcript NM_152564.5 (MANE Select); 4 bases into the intron before coding-DNA position 9943, G replaced by T.
Molecular consequence: intron variant.
Genome position (GRCh38, 1-based): chr8:99,848,772, G>T. VCF-style: chr8-99848772-G-T. GRCh37 (hg19) VCF-style: chr8-100861000-G-T.
Other names: c.10018-4G>T (NM_017890.5); c.9943-4G>T (NM_152564.4).
Identifiers: ClinVar variation 1137053 (VCV001137053.11), dbSNP rs2130902382, ClinGen allele CA2499219500.